The following is an entry in ClinVar:

NM_006767.4(LZTR1):c.268A>G (p.Thr90Ala)

Gene: LZTR1 (leucine zipper like post translational regulator 1; plus strand). Cytogenetic location: 22q11.21.
Variant type: single nucleotide variant.
Coding change: c.268A>G on transcript NM_006767.4 (MANE Select); coding-DNA position 268, A replaced by G.
Protein change: p.Thr90Ala; replaces threonine 90 with alanine.
Molecular consequence: missense variant.
Genome position (GRCh38, 1-based): chr22:20,985,845, A>G. VCF-style: chr22-20985845-A-G. GRCh37 (hg19) VCF-style: chr22-21340134-A-G.
Other names: short protein forms T90A.
Identifiers: ClinVar variation 3238265 (VCV003238265.3), dbSNP rs759881378.

ClinVar aggregate classification (germline): Uncertain significance. Review status: criteria provided, multiple submitters, no conflicts (2 of 4 stars). 2 submissions from 2 submitters: Uncertain significance (2). Last evaluated 2026-03-06.

Conditions:
Cardiovascular phenotype. Identifiers: MedGen CN230736.
Hereditary cancer-predisposing syndrome. Also called: Neoplastic Syndromes, Hereditary; Tumor predisposition; Hereditary Cancer Syndrome; Hereditary neoplastic syndrome. Identifiers: Orphanet 140162, MedGen C0027672, MeSH D009386, MONDO:0015356.

Allele frequency attached by ClinVar (database versions not stated): gnomAD exomes below 0.00001; TOPMed below 0.00001; ExAC 0.00001; gnomAD 0.00001.

Submissions (2):

GeneDx
Classification: Uncertain significance. Last evaluated: 2026-03-06. Review status: criteria provided, single submitter. Criteria: GeneDx Variant Classification Process June 2021. Collection method: clinical testing. Allele origin: germline.
Comment: Not observed at significant frequency in large population cohorts (gnomAD); In silico analysis suggests that this missense variant does not alter protein structure/function; Has not been previously published as pathogenic or benign to our knowledge

Ambry Genetics
Classification: Uncertain significance for Cardiovascular phenotype; Hereditary cancer-predisposing syndrome. Last evaluated: 2023-05-13. Review status: criteria provided, single submitter. Criteria: Ambry Variant Classification Scheme 2023. Collection method: clinical testing. Allele origin: germline.
Comment: The p.T90A variant (also known as c.268A>G), located in coding exon 3 of the LZTR1 gene, results from an A to G substitution at nucleotide position 268. The threonine at codon 90 is replaced by alanine, an amino acid with similar properties. This amino acid position is conserved. In addition, this alteration is predicted to be tolerated by in silico analysis. Since supporting evidence is limited at this time, the clinical significance of this alteration remains unclear.